The following is an entry in ClinVar:

Conditions:
Long QT syndrome 5 (LQT5). Identifiers: Orphanet 101016, Orphanet 768, MedGen C1867904, MONDO:0013372, OMIM 613695.

Submission:

Roden Lab, Vanderbilt University Medical Center
No classification provided (evidence only). Condition: Long QT syndrome 5. Review status: no classification provided. Collection method: in vitro. Allele origin: not applicable. Functional consequence: Effect on ion channel function.
ClinVar note: "not provided" was previously submitted as the classification for the variant. However, the classification appeared to be based only on an observation of functional data so it was converted to no classification on 2025-07-30.

NM_000219.6(KCNE1):c.94C>G (p.Arg32Gly)

Gene: KCNE1 (potassium voltage-gated channel subfamily E regulatory subunit 1; minus strand). Cytogenetic location: 21q22.12.
Variant type: single nucleotide variant.
Coding change: c.94C>G on transcript NM_000219.6 (MANE Select); coding-DNA position 94, C replaced by G.
Protein change: p.Arg32Gly; replaces arginine 32 with glycine.
Molecular consequence: missense variant.
Genome position (GRCh38, 1-based): chr21:34,449,541, G>C on the plus strand (C>G on the coding strand, the complement: KCNE1 is on the minus strand). VCF-style: chr21-34449541-G-C. GRCh37 (hg19) VCF-style: chr21-35821839-G-C.
Other names: c.94C>G, p.Arg32Gly (NM_001127668.4, NM_001127669.4, NM_001127670.4 and 4 more transcripts); short protein forms R32G.
Identifiers: ClinVar variation 3374032 (VCV003374032.2).